The following is an entry in ClinVar:

ClinVar aggregate classification (germline): Uncertain significance (1 of 4 stars; one submission).

Conditions:
Aortic aneurysm, familial thoracic 7 (AAT7). Also called: AORTIC DISSECTION, FAMILIAL, WITH OR WITHOUT AORTIC ANEURYSM. Identifiers: MedGen C3151077, MONDO:0013418, OMIM 613780.

Submission:

Labcorp Genetics (formerly Invitae), Labcorp
Classification: Uncertain significance for Aortic aneurysm, familial thoracic 7. Last evaluated: 2021-08-15. Review status: criteria provided, single submitter. Criteria: Invitae Variant Classification Sherloc (09022015). Collection method: clinical testing. Allele origin: germline.
Comment: This sequence change creates a premature translational stop signal (p.Leu364Profs*37) in the MYLK gene. It is expected to result in an absent or disrupted protein product. This variant occurs in the long isoform of MYLK (PMID: 21055718). The current clinical and genetic evidence is not sufficient to establish whether loss-of-function variants in the long isoform of MYLK cause disease. This variant is not present in population databases (ExAC no frequency). This variant has not been reported in the literature in individuals with MYLK-related conditions. In summary, the available evidence is currently insufficient to determine the role of this variant in disease. Therefore, it has been classified as a Variant of Uncertain Significance.

Literature cited by the submitters: PubMed 21055718.

NM_053025.4(MYLK):c.1090dup (p.Leu364fs)

Gene: MYLK (myosin light chain kinase; minus strand). Cytogenetic location: 3q21.1.
Variant type: Duplication.
Coding change: c.1090dup on transcript NM_053025.4 (MANE Select); coding-DNA position 1090, one base duplicated (C; older notation c.1090dupC).
Protein change: p.Leu364fs; shifts the reading frame from leucine 364.
Molecular consequence: frameshift variant.
Genome position (GRCh38, 1-based): chr3:123,733,906, G duplicated on the plus strand (C on the coding strand, the reverse complement: MYLK is on the minus strand); the first of 2 consecutive G bases (chr3:123,733,906-123,733,907); duplicating either gives the same sequence. VCF-style (leftmost placement, unchanged base first): chr3-123733905-A-AG. GRCh37 (hg19) VCF-style: chr3-123452752-A-AG.
Other names: c.562dup, p.Leu188fs (NM_001321309.2); c.1090dup, p.Leu364fs (NM_053026.4, NM_053027.4, NM_053028.4); short protein forms L364fs, L188fs.
Identifiers: ClinVar variation 1398220 (VCV001398220.8), dbSNP rs2108792043, ClinGen allele CA913101957.
Genomic context (GRCh38, chr3:123,733,905, plus strand): 5'-GTGGGGAAGGTGGCTGGACGGGGAGGAGCTGGCCTCTTCCTCTCTTCTCCAGAAGGTGAT[A>AG]GGACCCCCAGGCCTGGTGCTCTTGGTTCCGGCTGAACTCTTGCGGCCTGCAGGGTGATGG-3'